The following is an entry in ClinVar:

ClinVar aggregate classification (germline): Uncertain significance (1 of 4 stars; one submission).

Conditions:
Hypertrophic cardiomyopathy. Also called: HYPERTROPHIC MYOCARDIOPATHY. Identifiers: Orphanet 217569, MedGen C0007194, MeSH D002312, MONDO:0005045, HP:0001639.

Submission:

All of Us Research Program, National Institutes of Health
Classification: Uncertain significance for Hypertrophic cardiomyopathy. Last evaluated: 2023-06-26. Review status: criteria provided, single submitter. Criteria: ACMG Guidelines, 2015. Collection method: clinical testing. Allele origin: germline. Inheritance: Autosomal dominant inheritance. Observed: 1 variant allele, 1 heterozygote.
Comment: This variant inserts 1 nucleotide in exon 12 of the PRKAG2 gene, creating a frameshift and premature translation stop signal. This variant is expected to result in an absent or non-functional protein product. To our knowledge, this variant has not been reported in individuals affected with cardiovascular disorders in the literature. This variant has not been identified in the general population by the Genome Aggregation Database (gnomAD). The role of loss-of-function PRKAG2 truncation and splice variants in autosomal dominant cardiovascular disorders is not clearly established. The available evidence is insufficient to determine the role of this variant in disease conclusively. Therefore, this variant is classified as a Variant of Uncertain Significance.

This study involves interpretation of variants in research participants for the purpose of population health screening. Participant phenotype was not available at the time of variant classification. Additional details can be found in publication PMID: 35346344, PMCID: PMC8962531

NM_016203.4(PRKAG2):c.1386dup (p.Val463fs)

Gene: PRKAG2 (protein kinase AMP-activated non-catalytic subunit gamma 2; minus strand). Cytogenetic location: 7q36.1.
Variant type: Duplication.
Coding change: c.1386dup on transcript NM_016203.4 (MANE Select); coding-DNA position 1386, one base duplicated (T; older notation c.1386dupT).
Protein change: p.Val463fs; shifts the reading frame from valine 463.
Molecular consequence: frameshift variant.
Genome position (GRCh38, 1-based): chr7:151,565,733, A duplicated on the plus strand (T on the coding strand, the reverse complement: PRKAG2 is on the minus strand); the first of 2 consecutive A bases (chr7:151,565,733-151,565,734); duplicating either gives the same sequence. VCF-style (leftmost placement, unchanged base first): chr7-151565732-C-CA. GRCh37 (hg19) VCF-style: chr7-151262818-C-CA.
Other names: c.1254dup, p.Val419fs (NM_001040633.2, NM_001407024.1); c.1011dup, p.Val338fs (NM_001304527.2, NM_001407029.1); c.663dup, p.Val222fs (NM_001304531.2, NM_001407034.1, NM_001407035.1 and 1 more transcripts); c.1014dup, p.Val339fs (NM_001363698.2, NM_001407028.1); c.1386dup, p.Val463fs (NM_001407021.1); c.1383dup, p.Val462fs (NM_001407022.1, NM_001407023.1); c.1251dup, p.Val418fs (NM_001407026.1, NM_001407027.1); c.1098dup, p.Val367fs (NM_001407030.1); and 6 more; short protein forms V221fs, V222fs, V238fs, V242fs, V338fs, V339fs, V355fs, V357fs.
Identifiers: ClinVar variation 3075527 (VCV003075527.1), dbSNP rs2536295578, ClinGen allele CA2685699325.